The following is an entry in ClinVar:

NM_002430.3(MN1):c.890CCCAGCAGCAGCAGCAGC[3] (p.Gln308_Gln309insProGlnGlnGlnGlnGln)

Gene: MN1 (MN1 proto-oncogene, transcriptional regulator; minus strand). Cytogenetic location: 22q12.1.
Variant type: Microsatellite.
Coding change: c.890CCCAGCAGCAGCAGCAGC[3] on transcript NM_002430.3 (MANE Select); three copies in a row of the 18-base unit CCCAGCAGCAGCAGCAGC starting at c.890; the reference has two copies in a row; one copy, 18 bases duplicated; also written c.908_925dup.
Protein change: p.Gln308_Gln309insProGlnGlnGlnGlnGln.
Molecular consequence: inframe insertion.
Genome position (GRCh38, 1-based): chr22:27,799,619-27,799,636, GCTGCTGCTGCTGCTGGG duplicated on the plus strand (CCCAGCAGCAGCAGCAGC on the coding strand, the reverse complement: MN1 is on the minus strand); duplicating any 18 consecutive bases within chr22:27,799,619-27,799,665 gives the same sequence; the position shown is the placement nearest the transcript's 3' end. VCF-style (leftmost placement, unchanged base first): chr22-27799618-T-TGCTGCTGCTGCTGCTGGG. GRCh37 (hg19) VCF-style: chr22-28195606-T-TGCTGCTGCTGCTGCTGGG.
Other names: c.908_925dup18 (NM_002430.2); c.908_925dup (NM_002430.2).
Identifiers: ClinVar variation 2346067 (VCV002346067.31), dbSNP rs769995080, ClinGen allele CA10166499.

ClinVar aggregate classification (germline): Conflicting classifications of pathogenicity. Review status: criteria provided, conflicting classifications (1 of 4 stars). 6 submissions from 6 submitters: Uncertain significance (1); Benign (1); Likely benign (3). 1 of the submissions does not count toward it. Last evaluated 2026-08-01.

Conditions:
MN1-related disorder. Also called: MN1-related condition.
Inborn genetic diseases. Identifiers: MedGen C0950123, MeSH D030342.

Submissions (6):

CeGaT Center for Human Genetics Tuebingen
Classification: Likely benign. Last evaluated: 2026-08-01. Review status: criteria provided, single submitter. Criteria: CeGaT Center For Human Genetics Tuebingen Variant Classification Criteria Version 2. Collection method: clinical testing. Allele origin: germline. Affected: yes. Observed: 3 variant alleles.
Comment: MN1: BS1

GeneDx
Classification: Uncertain significance. Last evaluated: 2026-01-21. Review status: criteria provided, single submitter. Criteria: GeneDx Variant Classification Process June 2021. Collection method: clinical testing. Allele origin: germline.
Comment: In-frame deletion of [#] amino acid(s) in a non-repeat region; Has not been previously published as pathogenic or benign to our knowledge

Laboratory of Genetics, Children's Clinical University Hospital Latvia
Classification: Benign. Last evaluated: 2025-02-16. Review status: criteria provided, single submitter. Criteria: ACMG Guidelines, 2015. Collection method: clinical testing. Allele origin: germline. Affected: yes.

Blueprint Genetics
Classification: Likely benign. Last evaluated: 2024-11-19. Review status: criteria provided, single submitter. Criteria: ACMG Guidelines, 2015. Collection method: clinical testing. Allele origin: germline.

Ambry Genetics
Classification: Likely benign for Inborn genetic diseases. Last evaluated: 2022-09-27. Review status: criteria provided, single submitter. Criteria: Ambry Variant Classification Scheme 2023. Collection method: clinical testing. Allele origin: germline.

PreventionGenetics, part of Exact Sciences
Classification: Likely benign for MN1-related condition. Last evaluated: 2019-10-07. Review status: no assertion criteria provided. Collection method: clinical testing. Allele origin: germline. Not counted in ClinVar's aggregate classification.
Comment: This variant is classified as likely benign based on ACMG/AMP sequence variant interpretation guidelines (Richards et al. 2015 PMID: 25741868, with internal and published modifications).